The following is an entry in ClinVar:

NM_018344.6(SLC29A3):c.1132G>A (p.Ala378Thr)

Gene: SLC29A3 (solute carrier family 29 member 3; plus strand). Cytogenetic location: 10q22.1.
Variant type: single nucleotide variant.
Coding change: c.1132G>A on transcript NM_018344.6 (MANE Select); coding-DNA position 1132, G replaced by A.
Protein change: p.Ala378Thr; replaces alanine 378 with threonine.
Molecular consequence: missense variant. On other transcripts: 3 prime UTR variant (1), non-coding transcript variant (2).
Genome position (GRCh38, 1-based): chr10:71,362,312, G>A. VCF-style: chr10-71362312-G-A. GRCh37 (hg19) VCF-style: chr10-73122069-G-A.
Other names: c.*361G>A (NM_001174098.2); c.898G>A, p.Ala300Thr (NM_001363518.2); short protein forms A378T, A300T.
Identifiers: ClinVar variation 2175749 (VCV002175749.3), dbSNP rs1361290699, ClinGen allele CA377116878.

ClinVar aggregate classification (germline): Uncertain significance (1 of 4 stars; one submission).

Conditions:
H syndrome. Also called: Histiocytosis with joint contractures and sensorineural deafness; Asrar Facharzt Haque syndrome; Pigmented hypertrichosis and insulin-dependent diabetes mellitus; FAISALABAD HISTIOCYTOSIS; HISTIOCYTOSIS AND LYMPHADENOPATHY WITH OR WITHOUT CUTANEOUS, CARDIAC, AND/OR ENDOCRINE FEATURES, JOINT CONTRACTURES, AND/OR DEAFNESS; HYPERPIGMENTATION, CUTANEOUS, WITH HYPERTRICHOSIS, HEPATOSPLENOMEGALY, HEART ANOMALIES, AND HYPOGONADISM WITH OR WITHOUT HEARING LOSS. Identifiers: Orphanet 168569, MedGen C1864445, MONDO:0011273, OMIM 602782.

Allele frequency attached by ClinVar (database versions not stated): gnomAD exomes below 0.00001; gnomAD 0.00001.
gnomAD v4.1: 2 of 1,614,038 alleles (0.00012%); highest among the groups gnomAD compares: Middle Eastern, 0.016%; no homozygotes.

Submission:

Labcorp Genetics (formerly Invitae), Labcorp
Classification: Uncertain significance for H syndrome. Last evaluated: 2022-08-16. Review status: criteria provided, single submitter. Criteria: Invitae Variant Classification Sherloc (09022015). Collection method: clinical testing. Allele origin: germline.
Comment: This sequence change replaces alanine, which is neutral and non-polar, with threonine, which is neutral and polar, at codon 378 of the SLC29A3 protein (p.Ala378Thr). This variant is present in population databases (no rsID available, gnomAD 0.007%). This variant has not been reported in the literature in individuals affected with SLC29A3-related conditions. Algorithms developed to predict the effect of missense changes on protein structure and function (SIFT, PolyPhen-2, Align-GVGD) all suggest that this variant is likely to be tolerated. In summary, the available evidence is currently insufficient to determine the role of this variant in disease. Therefore, it has been classified as a Variant of Uncertain Significance.